The following is an entry in ClinVar:

ClinVar aggregate classification (germline): Likely pathogenic. Review status: criteria provided, multiple submitters, no conflicts (2 of 4 stars). 2 submissions from 2 submitters: Likely pathogenic (2). Last evaluated 2025-03-15.

Conditions:
Neurofibromatosis, type 1 (NF1). Also called: Peripheral type neurofibromatosis; VON RECKLINGHAUSEN DISEASE; NEUROFIBROMATOSIS, TYPE I, SOMATIC; Neurofibromatosis, type I. Identifiers: Orphanet 636, MedGen C0027831, MONDO:0018975, OMIM 162200. Disease mechanism: loss of function.
Neurofibromatosis-Noonan syndrome (NFNS). Also called: NEUROFIBROMATOSIS WITH NOONAN PHENOTYPE. Identifiers: Orphanet 638, MedGen C2931482, MONDO:0011035, OMIM 601321. Disease mechanism: loss of function.

Submissions (2):

Labcorp Genetics (formerly Invitae), Labcorp
Classification: Likely pathogenic for Neurofibromatosis, type 1. Last evaluated: 2025-03-15. Review status: criteria provided, single submitter. Criteria: Invitae Variant Classification Sherloc (09022015). Collection method: clinical testing. Allele origin: germline.
Comment: This sequence change replaces threonine, which is neutral and polar, with proline, which is neutral and non-polar, at codon 59 of the NF1 protein (p.Thr59Pro). This variant is not present in population databases (gnomAD no frequency). This missense change has been observed in individual(s) with neurofibromatosis type 1 (PMID: 28529006; internal data). ClinVar contains an entry for this variant (Variation ID: 2137946). Invitae Evidence Modeling of protein sequence and biophysical properties (such as structural, functional, and spatial information, amino acid conservation, physicochemical variation, residue mobility, and thermodynamic stability) indicates that this missense variant is expected to disrupt NF1 protein function with a positive predictive value of 80%. In summary, the currently available evidence indicates that the variant is pathogenic, but additional data are needed to prove that conclusively. Therefore, this variant has been classified as Likely Pathogenic.

Centro Nacional de Genética Medica, Administración Nacional de Laboratorios e Institutos de Salud (ANLIS) “Dr. Carlos G Malbrán”
Classification: Likely pathogenic for Neurofibromatosis-Noonan syndrome. Last evaluated: 2024-08-01. Review status: criteria provided, single submitter. Criteria: ACMG Guidelines, 2015. Collection method: research. Allele origin: germline. Affected: yes. Observed: 1 variant allele.
Comment: Although the variant is not located within the protein's RAS domain (this domain begins at amino acid position 137), it is located in a region of multiple pathogenic missense variants in a region encompassing the WH2 motif (residues 47 to 69) related to actin binding. According to the GnomAD database, the gene has 465 pathogenic missense variants and 27 benign ones, and in exon 2 there are 8 pathogenic missense variants and only 1 likely benign one, i.e., it is a region prone to variants (hot spot) (PM1). The variant found is not present in population databases such as GnomAD, ExAc, or 1000 Genomes (PM2_Supporting). Bioinformatics predictors (Alphamissense, EVE, SIFT, PolyPhen, REVEL) classify the variant as deleted (PP3). The patient's phenotype is consistent with neurofibromatosis, and the NF1 gene is closely associated with the disease (PP4).

Literature cited by the submitters: PubMed 28529006 (cited by Labcorp Genetics (formerly Invitae), Labcorp); PubMed 3135755 (cited by Centro Nacional de Genética Medica, Administración Nacional de Laboratorios e Institutos de Salud (ANLIS) “Dr. Carlos G Malbrán”); PubMed 2411134 (cited by Centro Nacional de Genética Medica, Administración Nacional de Laboratorios e Institutos de Salud (ANLIS) “Dr. Carlos G Malbrán”); PubMed 9529361 (cited by Centro Nacional de Genética Medica, Administración Nacional de Laboratorios e Institutos de Salud (ANLIS) “Dr. Carlos G Malbrán”); PubMed 2169593 (cited by Centro Nacional de Genética Medica, Administración Nacional de Laboratorios e Institutos de Salud (ANLIS) “Dr. Carlos G Malbrán”); PubMed 17105749 (cited by Centro Nacional de Genética Medica, Administración Nacional de Laboratorios e Institutos de Salud (ANLIS) “Dr. Carlos G Malbrán”); PubMed 9115204 (cited by Centro Nacional de Genética Medica, Administración Nacional de Laboratorios e Institutos de Salud (ANLIS) “Dr. Carlos G Malbrán”); PubMed 11704931 (cited by Centro Nacional de Genética Medica, Administración Nacional de Laboratorios e Institutos de Salud (ANLIS) “Dr. Carlos G Malbrán”); PubMed 34012067 (cited by Centro Nacional de Genética Medica, Administración Nacional de Laboratorios e Institutos de Salud (ANLIS) “Dr. Carlos G Malbrán”); PubMed 16813595 (cited by Centro Nacional de Genética Medica, Administración Nacional de Laboratorios e Institutos de Salud (ANLIS) “Dr. Carlos G Malbrán”); PubMed 6025371 (cited by Centro Nacional de Genética Medica, Administración Nacional de Laboratorios e Institutos de Salud (ANLIS) “Dr. Carlos G Malbrán”); PubMed 11906692 (cited by Centro Nacional de Genética Medica, Administración Nacional de Laboratorios e Institutos de Salud (ANLIS) “Dr. Carlos G Malbrán”).

NM_001042492.3(NF1):c.175A>C (p.Thr59Pro)

Gene: NF1 (neurofibromin 1; plus strand). Cytogenetic location: 17q11.2.
Variant type: single nucleotide variant.
Coding change: c.175A>C on transcript NM_001042492.3 (MANE Select); coding-DNA position 175, A replaced by C.
Protein change: p.Thr59Pro; replaces threonine 59 with proline.
Molecular consequence: missense variant.
Genome position (GRCh38, 1-based): chr17:31,156,097, A>C. VCF-style: chr17-31156097-A-C. GRCh37 (hg19) VCF-style: chr17-29483115-A-C.
Other names: g.31156097 A>C; p.T59P; p.Thr59Pro; c.175A>C, p.Thr59Pro (NM_001128147.3, NM_000267.4); short protein forms T59P.
Identifiers: ClinVar variation 2137946 (VCV002137946.5), dbSNP rs1567814586, ClinGen allele CA398988648.